The following is an entry in ClinVar:

NM_003482.4(KMT2D):c.12636G>A (p.Arg4212=)

Gene: KMT2D (lysine methyltransferase 2D; minus strand). Cytogenetic location: 12q13.12.
Variant type: single nucleotide variant.
Coding change: c.12636G>A on transcript NM_003482.4 (MANE Select); coding-DNA position 12636, G replaced by A.
Protein change: p.Arg4212=; no amino-acid change (arginine 4212 retained).
Molecular consequence: synonymous variant.
Genome position (GRCh38, 1-based): chr12:49,032,069, C>T on the plus strand (G>A on the coding strand, the complement: KMT2D is on the minus strand). VCF-style: chr12-49032069-C-T. GRCh37 (hg19) VCF-style: chr12-49425852-C-T.
Identifiers: ClinVar variation 4994732 (VCV004994732.1).

ClinVar aggregate classification (germline): Likely benign (1 of 4 stars; one submission).

Conditions:
KMT2D-related disorder. Also called: KMT2D-Related Disorders.

gnomAD v4.1: 2 of 1,613,812 alleles (0.00012%); highest among the groups gnomAD compares: Non-Finnish European, 0.00017%; no homozygotes.

Submission:

PreventionGenetics, part of Exact Sciences
Classification: Likely benign for KMT2D-related condition. Last evaluated: 2026-05-15. Review status: criteria provided, single submitter. Criteria: ACMG Guidelines, 2015. Collection method: clinical testing. Allele origin: germline.
Comment: This variant is classified as likely benign based on ACMG/AMP sequence variant interpretation guidelines (Richards et al. 2015 PMID: 25741868, with internal and published modifications).